The following is an entry in ClinVar:

NM_001385012.1(NBEA):c.8469C>T (p.Gly2823=)

Gene: NBEA (neurobeachin; plus strand). Cytogenetic location: 13q13.3.
Variant type: single nucleotide variant.
Coding change: c.8469C>T on transcript NM_001385012.1 (MANE Select); coding-DNA position 8469, C replaced by T.
Protein change: p.Gly2823=; no amino-acid change (glycine 2823 retained).
Molecular consequence: synonymous variant.
Genome position (GRCh38, 1-based): chr13:35,667,378, C>T. VCF-style: chr13-35667378-C-T. GRCh37 (hg19) VCF-style: chr13-36241515-C-T.
Other names: c.1785C>T, p.Gly595= (NM_001204197.3); c.8460C>T, p.Gly2820= (NM_001379245.1); c.8406C>T, p.Gly2802= (NM_015678.5).
Identifiers: ClinVar variation 4281012 (VCV004281012.7).

ClinVar aggregate classification (germline): Likely benign (1 of 4 stars; one submission).

gnomAD v4.1: 13 of 1,613,620 alleles (0.00081%); highest among the groups gnomAD compares: African/African-American, 0.0067%; no homozygotes.

Submission:

CeGaT Center for Human Genetics Tuebingen
Classification: Likely benign. Last evaluated: 2025-09-01. Review status: criteria provided, single submitter. Criteria: CeGaT Center For Human Genetics Tuebingen Variant Classification Criteria Version 2. Collection method: clinical testing. Allele origin: germline. Affected: yes. Observed: 1 variant allele.
Comment: NBEA: BP4, BP7